The following is an entry in ClinVar:

ClinVar aggregate classification (germline): Likely pathogenic. Review status: criteria provided, single submitter (1 of 4 stars). 2 submissions from 2 submitters: Likely pathogenic (1). 1 of the submissions does not count toward it. Last evaluated 2023-05-02.

Conditions:
Pseudo-TORCH syndrome 2 (PTORCH2). Also called: USP18 deficiency. Identifiers: Orphanet 481665, MedGen C4479376, MONDO:0018828, OMIM 617397.

Allele frequency attached by ClinVar (database versions not stated): TOPMed below 0.00001.

Submissions (2):

Broad Center for Mendelian Genomics, Broad Institute of MIT and Harvard
Classification: Likely pathogenic for Pseudo-TORCH syndrome 2. Last evaluated: 2023-05-02. Review status: criteria provided, single submitter. Criteria: ACMG Guidelines, 2015. Collection method: curation. Allele origin: germline. Inheritance: Autosomal recessive inheritance.
Comment: The heterozygous p.Gln218Ter variant in USP18 was identified by our study, in the compound heterozygous state with a likely pathogenic variant (ClinVar Variation ID: 417775), in two siblings with pseudo-TORCH syndrome 2 (PMID: 27325888). Familial exome analysis revealed that this variant was in trans with a likely pathogenic variant (ClinVar Variation ID: 417775). These individuals along with 3 homozygous affected siblings from another family, were reported in the literature (PMID: 27325888). Of these 5 affected individuals (PMID: 27325888), 3 were homozygotes and 2 were compound heterozygotes who carried a likely pathogenic variant (ClinVar Variation ID: 417775) in trans, which increases the likelihood that the p.Gln218Ter variant is pathogenic. This variant has also been reported in ClinVar (Variation ID: 417774) and has been interpreted as pathogenic by OMIM. This variant was absent from large population studies. This nonsense variant leads to a premature termination codon at position 218, which is predicted to lead to a truncated or absent protein. Loss of function of the USP18 gene is strongly associated to autosomal recessive pseudo-TORCH syndrome 2 (PMID: 27325888). In summary, although additional studies are required to fully establish its clinical significance, this variant is likely pathogenic for autosomal recessive pseudo-TORCH syndrome 2. ACMG/AMP Criteria applied: PVS1_Strong, PM2_Supporting, PM3, PP1 (Richards 2015).

OMIM
Classification: Pathogenic for PSEUDO-TORCH SYNDROME 2. Last evaluated: 2017-03-26. Review status: no assertion criteria provided. Collection method: literature only. Allele origin: germline. Not counted in ClinVar's aggregate classification.

Literature cited by the submitters: PubMed 27325888 (cited by OMIM); PubMed 12833411 (cited by OMIM).

NM_017414.4(USP18):c.652C>T (p.Gln218Ter)

Gene: USP18 (ubiquitin specific peptidase 18; plus strand). Cytogenetic location: 22q11.21.
Variant type: single nucleotide variant.
Coding change: c.652C>T on transcript NM_017414.4 (MANE Select); coding-DNA position 652, C replaced by T.
Protein change: p.Gln218Ter; replaces glutamine 218 with a stop codon.
Molecular consequence: nonsense.
Genome position (GRCh38, 1-based): chr22:18,169,868, C>T. VCF-style: chr22-18169868-C-T. GRCh37 (hg19) VCF-style: chr22-18652635-C-T.
Other names: NM_017414.4(USP18):c.652C>T; p.Gln218Ter; short protein forms Q218*.
Identifiers: ClinVar variation 417774 (VCV000417774.2), dbSNP rs1085307118, ClinGen allele CA410626393.